The following is an entry in ClinVar:

NM_001378454.1(ALMS1):c.7226del (p.Thr2409fs)

Gene: ALMS1 (ALMS1 centrosome and basal body associated protein; plus strand). Cytogenetic location: 2p13.1.
Variant type: Deletion.
Coding change: c.7226del on transcript NM_001378454.1 (MANE Select); coding-DNA position 7226, one base deleted (C; older notation c.7226delC).
Protein change: p.Thr2409fs; shifts the reading frame from threonine 2409.
Molecular consequence: frameshift variant.
Genome position (GRCh38, 1-based): chr2:73,453,753, C deleted. VCF-style (leftmost placement, unchanged base first): chr2-73453752-AC-A. GRCh37 (hg19) VCF-style: chr2-73680879-AC-A.
Other names: c.7229delC (NM_015120.4); c.7229del, p.Thr2410fs (NM_015120.4); short protein forms T2410fs, T2409fs.
Identifiers: ClinVar variation 558233 (VCV000558233.8), dbSNP rs1553404423, ClinGen allele CA658822898.
Genomic context (GRCh38, chr2:73,453,752, plus strand): 5'-AGGTCTGAACCTGAAGGGTGTAGTGGAACCATTGGGAATAAAATTATTATCCCTATGATG[AC>A]TGTCATAAAAAGTGATTCAAGTAGTGATGCCAGTGATGGAAATGGTTCCTGCTCGTGGGA-3'

ClinVar aggregate classification (germline): Pathogenic/Likely pathogenic. Review status: criteria provided, multiple submitters, no conflicts (2 of 4 stars). 3 submissions from 3 submitters: Pathogenic (1); Likely pathogenic (1). 1 of the submissions does not count toward it. Last evaluated 2025-02-03.

Conditions:
Alstrom syndrome (ALMS). Identifiers: Orphanet 64, MedGen C0268425, MONDO:0008763, OMIM 203800.

Submissions (3):

Natera, Inc.
Classification: Likely pathogenic for Alstrom syndrome. Last evaluated: 2025-02-03. Review status: criteria provided, single submitter. Criteria: Natera Variant Classification Schema (03/2026). Collection method: clinical testing. Allele origin: germline.
Comment: The c.7229del variant in ALMS1 is a frameshift variant predicted to shift the reading frame beginning at codon 2410 and leads to a stop codon 3 codons downstream. This variant is expected to result in nonsense mediated decay, truncation, or a dysfunctional protein product. This variant is rare in the general population with a frequency below the threshold expected for the associated phenotype(s). Given the available evidence, this variant is classified as Likely Pathogenic.

Labcorp Genetics (formerly Invitae), Labcorp
Classification: Pathogenic for Alstrom syndrome. Last evaluated: 2022-05-08. Review status: criteria provided, single submitter. Criteria: Invitae Variant Classification Sherloc (09022015). Collection method: clinical testing. Allele origin: germline.
Comment: This sequence change creates a premature translational stop signal (p.Thr2410Metfs*3) in the ALMS1 gene. It is expected to result in an absent or disrupted protein product. Loss-of-function variants in ALMS1 are known to be pathogenic (PMID: 17594715). This variant is not present in population databases (gnomAD no frequency). This variant has not been reported in the literature in individuals affected with ALMS1-related conditions. ClinVar contains an entry for this variant (Variation ID: 558233). For these reasons, this variant has been classified as Pathogenic.

Counsyl
Classification: Likely pathogenic for Alstrom syndrome. Last evaluated: 2018-05-10. Review status: no assertion criteria provided. Collection method: clinical testing. Allele origin: unknown. Not counted in ClinVar's aggregate classification.

Literature cited by the submitters: PubMed 17594715 (cited by Labcorp Genetics (formerly Invitae), Labcorp).